The following is an entry in ClinVar:

NM_032776.3(JMJD1C):c.4616C>G (p.Ser1539Cys)

Gene: JMJD1C (jumonji domain containing 1C; minus strand). Cytogenetic location: 10q21.3.
Variant type: single nucleotide variant.
Coding change: c.4616C>G on transcript NM_032776.3 (MANE Select); coding-DNA position 4616, C replaced by G.
Protein change: p.Ser1539Cys; replaces serine 1539 with cysteine.
Molecular consequence: missense variant. On other transcripts: non-coding transcript variant (1).
Genome position (GRCh38, 1-based): chr10:63,207,053, G>C on the plus strand (C>G on the coding strand, the complement: JMJD1C is on the minus strand). VCF-style: chr10-63207053-G-C. GRCh37 (hg19) VCF-style: chr10-64966813-G-C.
Other names: c.4070C>G, p.Ser1357Cys (NM_001282948.2, NM_001318154.2); c.3752C>G, p.Ser1251Cys (NM_001318153.2); c.4502C>G, p.Ser1501Cys (NM_001322252.2); c.3959C>G, p.Ser1320Cys (NM_001322254.2, NM_001322258.2); c.4616C>G (NM_032776.1); short protein forms S1539C, S1320C, S1501C, S1357C, S1251C.
Identifiers: ClinVar variation 834850 (VCV000834850.11), dbSNP rs756966644, ClinGen allele CA5518238.

ClinVar aggregate classification (germline): Uncertain significance. Review status: criteria provided, multiple submitters, no conflicts (2 of 4 stars). 2 submissions from 2 submitters: Uncertain significance (2). Last evaluated 2025-05-27.

Conditions:
Early Myoclonic Encephalopathy. Identifiers: MedGen C0270855.

Allele frequency attached by ClinVar (database versions not stated): gnomAD exomes 0.00003; TOPMed 0.00005; gnomAD 0.00011 and 0.00010; ExAC 0.00003.
gnomAD v4.1: 201 of 1,614,016 alleles (0.012%); highest among the groups gnomAD compares: Non-Finnish European, 0.017%; no homozygotes.

Submissions (2):

Labcorp Genetics (formerly Invitae), Labcorp
Classification: Uncertain significance for Early Myoclonic Encephalopathy. Last evaluated: 2025-05-27. Review status: criteria provided, single submitter. Criteria: Invitae Variant Classification Sherloc (09022015). Collection method: clinical testing. Allele origin: germline.
Comment: This sequence change replaces serine, which is neutral and polar, with cysteine, which is neutral and slightly polar, at codon 1539 of the JMJD1C protein (p.Ser1539Cys). This variant is present in population databases (rs756966644, gnomAD 0.006%). This variant has not been reported in the literature in individuals affected with JMJD1C-related conditions. ClinVar contains an entry for this variant (Variation ID: 834850). Invitae Evidence Modeling of protein sequence and biophysical properties (such as structural, functional, and spatial information, amino acid conservation, physicochemical variation, residue mobility, and thermodynamic stability) indicates that this missense variant is expected to disrupt JMJD1C protein function with a positive predictive value of 80%. In summary, the available evidence is currently insufficient to determine the role of this variant in disease. Therefore, it has been classified as a Variant of Uncertain Significance.

Ambry Genetics
Classification: Uncertain significance. Last evaluated: 2024-10-01. Review status: criteria provided, single submitter. Criteria: Ambry Variant Classification Scheme 2023. Collection method: clinical testing. Allele origin: germline.